The following is an entry in ClinVar:

NM_000395.3(CSF2RB):c.759C>T (p.Asp253=)

Gene: CSF2RB (colony stimulating factor 2 receptor subunit beta; plus strand). Cytogenetic location: 22q12.3.
Variant type: single nucleotide variant.
Coding change: c.759C>T on transcript NM_000395.3 (MANE Select); coding-DNA position 759, C replaced by T.
Protein change: p.Asp253=; no amino-acid change (aspartic acid 253 retained).
Molecular consequence: synonymous variant.
Genome position (GRCh38, 1-based): chr22:36,930,415, C>T. VCF-style: chr22-36930415-C-T. GRCh37 (hg19) VCF-style: chr22-37326457-C-T.
Other names: c.759C>T (NM_000395.2).
Identifiers: ClinVar variation 1591660 (VCV001591660.11), dbSNP rs201384090, ClinGen allele CA10213577.

ClinVar aggregate classification (germline): Likely benign. Review status: criteria provided, multiple submitters, no conflicts (2 of 4 stars). 3 submissions from 3 submitters: Likely benign (2). 1 of the submissions does not count toward it. Last evaluated 2025-11-11.

Conditions:
CSF2RB-related disorder. Also called: CSF2RB-related condition.

Allele frequency attached by ClinVar (database versions not stated): ExAC 0.00007; gnomAD 0.00009 and 0.00011; gnomAD exomes 0.00009 and 0.00027; TOPMed 0.00011; 1000 Genomes Project 30x 0.00031; 1000 Genomes Project 0.00040.
gnomAD v4.1: 406 of 1,613,606 alleles (0.025%); highest among the groups gnomAD compares: Non-Finnish European, 0.032%; 1 homozygote.

Submissions (3):

Labcorp Genetics (formerly Invitae), Labcorp
Classification: Likely benign. Last evaluated: 2025-11-11. Review status: criteria provided, single submitter. Criteria: Invitae Variant Classification Sherloc (09022015). Collection method: clinical testing. Allele origin: germline.

Blueprint Genetics
Classification: Likely benign. Last evaluated: 2022-06-22. Review status: criteria provided, single submitter. Criteria: ACMG Guidelines, 2015. Collection method: clinical testing. Allele origin: germline.

PreventionGenetics, part of Exact Sciences
Classification: Likely benign for CSF2RB-related condition. Last evaluated: 2019-11-20. Review status: no assertion criteria provided. Collection method: clinical testing. Allele origin: germline. Not counted in ClinVar's aggregate classification.
Comment: This variant is classified as likely benign based on ACMG/AMP sequence variant interpretation guidelines (Richards et al. 2015 PMID: 25741868, with internal and published modifications).